The following is an entry in ClinVar:

NM_005984.5(SLC25A1):c.740G>A (p.Arg247Gln)

Gene: SLC25A1 (solute carrier family 25 member 1; minus strand). Cytogenetic location: 22q11.21.
Variant type: single nucleotide variant.
Coding change: c.740G>A on transcript NM_005984.5 (MANE Select); coding-DNA position 740, G replaced by A.
Protein change: p.Arg247Gln; replaces arginine 247 with glutamine.
Molecular consequence: missense variant. On other transcripts: non-coding transcript variant (1).
Genome position (GRCh38, 1-based): chr22:19,176,585, C>T on the plus strand (G>A on the coding strand, the complement: SLC25A1 is on the minus strand). VCF-style: chr22-19176585-C-T. GRCh37 (hg19) VCF-style: chr22-19164098-C-T.
Other names: c.761G>A, p.Arg254Gln (NM_001256534.2); c.431G>A, p.Arg144Gln (NM_001287387.2); short protein forms R247Q, R144Q, R254Q.
Identifiers: ClinVar variation 590940 (VCV000590940.8), dbSNP rs781908532, ClinGen allele CA10097328.

ClinVar aggregate classification (germline): Pathogenic. Review status: criteria provided, multiple submitters, no conflicts (2 of 4 stars). 3 submissions from 3 submitters: Pathogenic (2). 1 of the submissions does not count toward it. Last evaluated 2024-06-07.

Conditions:
Myasthenic syndrome, congenital, 23, presynaptic. Identifiers: MedGen C4748678, MONDO:0032596, OMIM 618197.

Allele frequency attached by ClinVar (database versions not stated): gnomAD 0.00001; ExAC 0.00002.
gnomAD v4.1: 16 of 1,613,554 alleles (0.00099%); highest among the groups gnomAD compares: South Asian, 0.0022%; no homozygotes.

Submissions (3):

3billion
Classification: Pathogenic for Myasthenic syndrome, congenital, 23, presynaptic. Last evaluated: 2024-06-07. Review status: criteria provided, single submitter. Criteria: ACMG Guidelines, 2015. Collection method: clinical testing. Allele origin: germline. Affected: yes.
Comment: The variant is observed at an extremely low frequency in the gnomAD v4.0.0 dataset (total allele frequency: <0.001%). Predicted Consequence/Location: Missense variant Functional studies provide moderate evidence of the variant having a damaging effect on the gene or gene product (PMID: 29238895). In silico tool predictions suggest damaging effect of the variant on gene or gene product [REVEL: 0.81 (>=0.6, sensitivity 0.68 and specificity 0.92)]. The same nucleotide change resulting in the same amino acid change has been previously reported as pathogenic/likely pathogenic with strong evidence (ClinVar ID: VCV000590940 /PMID: 29238895). Therefore, this variant is classified as Pathogenic according to the recommendation of ACMG/AMP guideline.

John Walton Muscular Dystrophy Research Centre, Newcastle University
Classification: Pathogenic for Myasthenic syndrome, congenital, 23, presynaptic. Last evaluated: 2019-06-01. Review status: criteria provided, single submitter. Criteria: Chaouch et al. (J Neuromuscul Dis. 2014). Collection method: reference population. Allele origin: inherited. Inheritance: Autosomal recessive inheritance. Affected: yes. Observed: 4 variant alleles, 4 homozygotes. Clinical features observed: Fatigable weakness (HP:0003473), Ophthalmoparesis (HP:0000597), Global developmental delay (HP:0001263), Proximal muscle weakness (HP:0003701).
Comment: The p.Arg247Gln variant in SLC25A1 was reported previously in a CMS sib-pair (DOI: 10.3233/JND-140021). We now have identified the same variant in three additional families with similar phenotype, supporting the pathogenicity and the clinical association.

OMIM
Classification: Pathogenic for MYASTHENIC SYNDROME, CONGENITAL, 23, PRESYNAPTIC. Last evaluated: 2020-12-15. Review status: no assertion criteria provided. Collection method: literature only. Allele origin: germline. Not counted in ClinVar's aggregate classification.

Literature cited by the submitters: PubMed 29238895 (cited by 3billion); PubMed 26870663 (cited by OMIM); PubMed 31527857 (cited by OMIM); PubMed 31808147 (cited by OMIM).